The following is an entry in ClinVar:

ClinVar aggregate classification (germline): Uncertain significance (1 of 4 stars; one submission).

Submission:

Labcorp Genetics (formerly Invitae), Labcorp
Classification: Uncertain significance. Last evaluated: 2023-08-24. Review status: criteria provided, single submitter. Criteria: Invitae Variant Classification Sherloc (09022015). Collection method: clinical testing. Allele origin: germline.
Comment: In summary, the available evidence is currently insufficient to determine the role of this variant in disease. Therefore, it has been classified as a Variant of Uncertain Significance. This variant is not present in population databases (gnomAD no frequency). This sequence change replaces methionine, which is neutral and non-polar, with isoleucine, which is neutral and non-polar, at codon 946 of the SLC24A1 protein (p.Met946Ile). This variant has not been reported in the literature in individuals affected with SLC24A1-related conditions. ClinVar contains an entry for this variant (Variation ID: 1367129). Algorithms developed to predict the effect of missense changes on protein structure and function output the following: SIFT: "Not Available"; PolyPhen-2: "Benign"; Align-GVGD: "Not Available". The isoleucine amino acid residue is found in multiple mammalian species, which suggests that this missense change does not adversely affect protein function.

NM_004727.3(SLC24A1):c.2838G>T (p.Met946Ile)

Gene: SLC24A1 (solute carrier family 24 member 1; plus strand). Cytogenetic location: 15q22.31.
Variant type: single nucleotide variant.
Coding change: c.2838G>T on transcript NM_004727.3 (MANE Select); coding-DNA position 2838, G replaced by T.
Protein change: p.Met946Ile; replaces methionine 946 with isoleucine.
Molecular consequence: missense variant. On other transcripts: intron variant (1).
Genome position (GRCh38, 1-based): chr15:65,651,714, G>T. VCF-style: chr15-65651714-G-T. GRCh37 (hg19) VCF-style: chr15-65944052-G-T.
Other names: c.819G>T, p.Met273Ile (NM_001254740.2); c.2784G>T, p.Met928Ile (NM_001301032.1, NM_001301033.2); c.2793+772G>T (NM_001301031.1); short protein forms M928I, M946I, M273I.
Identifiers: ClinVar variation 1367129 (VCV001367129.8), dbSNP rs760348512, ClinGen allele CA392901389.
Genomic context (GRCh38, chr15:65,651,714, plus strand): 5'-TCAAACTTTCAAACAGGAGTCTAGGAAGTTTTTTGTTTTCACCTTCCTGGGATCTATCAT[G>T]TGGATAGCCATGTTCTCATACCTCATGGTGTGGTGGGCTCACCAGGTGAGTGAACAGCAG-3'
Protein context (NP_004718.1, residues 936-956): FFVFTFLGSI[Met946Ile]WIAMFSYLMV